The following is an entry in ClinVar:

NM_001972.4(ELANE):c.461T>C (p.Met154Thr)

Gene: ELANE (elastase, neutrophil expressed; plus strand). Cytogenetic location: 19p13.3.
Variant type: single nucleotide variant.
Coding change: c.461T>C on transcript NM_001972.4 (MANE Select); coding-DNA position 461, T replaced by C.
Protein change: p.Met154Thr; replaces methionine 154 with threonine.
Molecular consequence: missense variant.
Genome position (GRCh38, 1-based): chr19:855,658, T>C. VCF-style: chr19-855658-T-C. GRCh37 (hg19) VCF-style: chr19-855658-T-C.
Other names: short protein forms M154T.
Identifiers: ClinVar variation 4842454 (VCV004842454.1).
Genomic context (GRCh38, chr19:855,658, plus strand): 5'-AGGTGGCCCAGCTGCCGGCTCAGGGACGCCGCCTGGGCAACGGGGTGCAGTGCCTGGCCA[T>C]GGGCTGGGGCCTTCTGGGCAGGAACCGTGGGATCGCCAGCGTCCTGCAGGAGCTCAACGT-3'
Protein context (NP_001963.1, residues 144-164): RLGNGVQCLA[Met154Thr]GWGLLGRNRG

ClinVar aggregate classification (germline): Uncertain significance (1 of 4 stars; one submission).

Conditions:
Inborn genetic diseases. Identifiers: MedGen C0950123, MeSH D030342.

Submission:

Ambry Genetics
Classification: Uncertain significance for Inborn genetic diseases. Last evaluated: 2026-01-03. Review status: criteria provided, single submitter. Criteria: Ambry Variant Classification Scheme 2023. Collection method: clinical testing. Allele origin: germline.
Comment: The p.M154T variant (also known as c.461T>C), located in coding exon 4 of the ELANE gene, results from a T to C substitution at nucleotide position 461. The methionine at codon 154 is replaced by threonine, an amino acid with similar properties. This amino acid position is conserved. In addition, the in silico prediction for this alteration is inconclusive. Based on the available evidence, the clinical significance of this variant remains unclear.